The following is an entry in ClinVar:

ClinVar aggregate classification (germline): Conflicting classifications of pathogenicity. Review status: criteria provided, conflicting classifications (1 of 4 stars). 3 submissions from 3 submitters: Uncertain significance (2); Likely benign (1). Last evaluated 2025-01-14.

Conditions:
Cardiovascular phenotype. Identifiers: MedGen CN230736.
Long QT syndrome (LQTS). Identifiers: MedGen C0023976, MeSH D008133, MONDO:0002442. Disease mechanism: loss of function. Inheritance: Various modes of inheritance.

Allele frequency attached by ClinVar (database versions not stated): ExAC 0.00006; gnomAD exomes 0.00006; ESP Exome Variant Server 0.00008; gnomAD 0.00010 and 0.00011; 1000 Genomes Project 30x 0.00016; 1000 Genomes Project 0.00020.
gnomAD v4.1: 89 of 1,614,160 alleles (0.0055%); highest among the groups gnomAD compares: Non-Finnish European, 0.0051%; no homozygotes.

Submissions (3):

Ambry Genetics
Classification: Likely benign for Cardiovascular phenotype. Last evaluated: 2025-01-14. Review status: criteria provided, single submitter. Criteria: Ambry Variant Classification Scheme 2023. Collection method: clinical testing. Allele origin: germline.

Labcorp Genetics (formerly Invitae), Labcorp
Classification: Uncertain significance for Long QT syndrome. Last evaluated: 2024-07-21. Review status: criteria provided, single submitter. Criteria: Invitae Variant Classification Sherloc (09022015). Collection method: clinical testing. Allele origin: germline.
Comment: This sequence change replaces alanine, which is neutral and non-polar, with threonine, which is neutral and polar, at codon 3324 of the AKAP9 protein (p.Ala3324Thr). This variant is present in population databases (rs182048899, gnomAD 0.03%). This variant has not been reported in the literature in individuals affected with AKAP9-related conditions. ClinVar contains an entry for this variant (Variation ID: 1361075). An algorithm developed to predict the effect of missense changes on protein structure and function (PolyPhen-2) suggests that this variant is likely to be disruptive. In summary, the available evidence is currently insufficient to determine the role of this variant in disease. Therefore, it has been classified as a Variant of Uncertain Significance.

Mayo Clinic Laboratories, Mayo Clinic
Classification: Uncertain significance. Last evaluated: 2021-09-27. Review status: criteria provided, single submitter. Criteria: ACMG Guidelines, 2015. Collection method: clinical testing. Allele origin: germline.

NM_005751.5(AKAP9):c.9970G>A (p.Ala3324Thr)

Gene: AKAP9 (A-kinase anchoring protein 9; plus strand). Cytogenetic location: 7q21.2.
Variant type: single nucleotide variant.
Coding change: c.9970G>A on transcript NM_005751.5 (MANE Select); coding-DNA position 9970, G replaced by A.
Protein change: p.Ala3324Thr; replaces alanine 3324 with threonine.
Molecular consequence: missense variant.
Genome position (GRCh38, 1-based): chr7:92,096,929, G>A. VCF-style: chr7-92096929-G-A. GRCh37 (hg19) VCF-style: chr7-91726243-G-A.
Other names: p.Ala3324Thr; c.4615G>A, p.Ala1539Thr (NM_001379277.1); c.9946G>A, p.Ala3316Thr (NM_147185.3); short protein forms A3316T, A1539T, A3324T.
Identifiers: ClinVar variation 1361075 (VCV001361075.12), dbSNP rs182048899, ClinGen allele CA4337876.